The following is an entry in ClinVar:

ClinVar aggregate classification (germline): Uncertain significance (1 of 4 stars; one submission).

Allele frequency attached by ClinVar (database versions not stated): ExAC 0.00001.

Submission:

Labcorp Genetics (formerly Invitae), Labcorp
Classification: Uncertain significance. Last evaluated: 2023-02-21. Review status: criteria provided, single submitter. Criteria: Invitae Variant Classification Sherloc (09022015). Collection method: clinical testing. Allele origin: germline.
Comment: This sequence change replaces leucine, which is neutral and non-polar, with methionine, which is neutral and non-polar, at codon 202 of the NSMCE3 protein (p.Leu202Met). This variant is not present in population databases (gnomAD no frequency). This variant has not been reported in the literature in individuals affected with NSMCE3-related conditions. Advanced modeling of protein sequence and biophysical properties (such as structural, functional, and spatial information, amino acid conservation, physicochemical variation, residue mobility, and thermodynamic stability) performed at Invitae indicates that this missense variant is not expected to disrupt NSMCE3 protein function. In summary, the available evidence is currently insufficient to determine the role of this variant in disease. Therefore, it has been classified as a Variant of Uncertain Significance.

NM_138704.4(NSMCE3):c.604C>A (p.Leu202Met)

Genes: NSMCE3 (NSE3 component of SMC5/6 complex; minus strand), ENTREP2 (endosomal transmembrane epsin interactor 2; minus strand). Cytogenetic location: 15q13.1.
Variant type: single nucleotide variant.
Coding change: c.604C>A on transcript NM_138704.4 (MANE Select); coding-DNA position 604, C replaced by A.
Protein change: p.Leu202Met; replaces leucine 202 with methionine.
Molecular consequence: missense variant. On other transcripts: intron variant (5).
Genome position (GRCh38, 1-based): chr15:29,269,102, G>T on the plus strand (C>A on the coding strand, the complement: NSMCE3 is on the minus strand). VCF-style: chr15-29269102-G-T. GRCh37 (hg19) VCF-style: chr15-29561306-G-T.
Other names: c.-12-16624C>A (NM_001387217.1, NM_001387215.1, NM_001387216.1); c.277-16624C>A (NM_001387214.1, NM_015307.2); short protein forms L202M.
Identifiers: ClinVar variation 2831769 (VCV002831769.3), dbSNP rs762013842, ClinGen allele CA7446091.